The following is an entry in ClinVar:

ClinVar aggregate classification (germline): Uncertain significance (1 of 4 stars; one submission).

Allele frequency attached by ClinVar (database versions not stated): gnomAD 0.00003; gnomAD exomes 0.00003 and 0.00010; TOPMed 0.00005; ExAC 0.00012.
gnomAD v4.1: 54 of 1,613,394 alleles (0.0033%); highest among the groups gnomAD compares: Middle Eastern, 0.12%; no homozygotes.

Submission:

Labcorp Genetics (formerly Invitae), Labcorp
Classification: Uncertain significance. Last evaluated: 2022-02-09. Review status: criteria provided, single submitter. Criteria: Invitae Variant Classification Sherloc (09022015). Collection method: clinical testing. Allele origin: germline.
Comment: In summary, the available evidence is currently insufficient to determine the role of this variant in disease. Therefore, it has been classified as a Variant of Uncertain Significance. Algorithms developed to predict the effect of missense changes on protein structure and function (SIFT, PolyPhen-2, Align-GVGD) all suggest that this variant is likely to be tolerated. This variant has not been reported in the literature in individuals affected with CRAT-related conditions. This variant is present in population databases (rs772964815, gnomAD 0.03%). This sequence change replaces alanine, which is neutral and non-polar, with valine, which is neutral and non-polar, at codon 346 of the CRAT protein (p.Ala346Val).

NM_000755.5(CRAT):c.1037C>T (p.Ala346Val)

Gene: CRAT (carnitine O-acetyltransferase; minus strand). Cytogenetic location: 9q34.11.
Variant type: single nucleotide variant.
Coding change: c.1037C>T on transcript NM_000755.5 (MANE Select); coding-DNA position 1037, C replaced by T.
Protein change: p.Ala346Val; replaces alanine 346 with valine.
Molecular consequence: missense variant.
Genome position (GRCh38, 1-based): chr9:129,099,914, G>A on the plus strand (C>T on the coding strand, the complement: CRAT is on the minus strand). VCF-style: chr9-129099914-G-A. GRCh37 (hg19) VCF-style: chr9-131862193-G-A.
Other names: c.974C>T, p.Ala325Val (NM_001257363.3, NM_004003.4, NM_001346548.2); c.1040C>T, p.Ala347Val (NM_001346546.2); c.917C>T, p.Ala306Val (NM_001346549.2); c.1037C>T, p.Ala346Val (NM_001346547.2); short protein forms A306V, A325V, A346V, A347V.
Identifiers: ClinVar variation 1447092 (VCV001447092.6), dbSNP rs772964815, ClinGen allele CA5275530.